The following is an entry in ClinVar:

NM_000465.4(BARD1):c.1817A>T (p.His606Leu)

Gene: BARD1 (BRCA1 associated RING domain 1; minus strand). Cytogenetic location: 2q35.
Variant type: single nucleotide variant.
Coding change: c.1817A>T on transcript NM_000465.4 (MANE Select); coding-DNA position 1817, A replaced by T.
Protein change: p.His606Leu; replaces histidine 606 with leucine.
Molecular consequence: missense variant. On other transcripts: non-coding transcript variant (3), intron variant (1).
Genome position (GRCh38, 1-based): chr2:214,745,153, T>A on the plus strand (A>T on the coding strand, the complement: BARD1 is on the minus strand). VCF-style: chr2-214745153-T-A. GRCh37 (hg19) VCF-style: chr2-215609877-T-A.
Other names: c.1760A>T, p.His587Leu (NM_001282543.2); c.464A>T, p.His155Leu (NM_001282545.2); c.407A>T, p.His136Leu (NM_001282548.2); c.365-14645A>T (NM_001282549.2); short protein forms H136L, H155L, H587L, H606L.
Identifiers: ClinVar variation 2130815 (VCV002130815.4), dbSNP rs786202512, ClinGen allele CA350452361.

ClinVar aggregate classification (germline): Uncertain significance (1 of 4 stars; one submission).

Conditions:
Familial cancer of breast. Also called: Hereditary breast cancer; BREAST CANCER, FAMILIAL; hereditary breast carcinoma. Identifiers: Orphanet 227535, MedGen C0346153, MONDO:0016419, OMIM 114480. Disease mechanism: loss of function.

Submission:

Labcorp Genetics (formerly Invitae), Labcorp
Classification: Uncertain significance for Familial cancer of breast. Last evaluated: 2022-04-26. Review status: criteria provided, single submitter. Criteria: Invitae Variant Classification Sherloc (09022015). Collection method: clinical testing. Allele origin: germline.
Comment: In summary, the available evidence is currently insufficient to determine the role of this variant in disease. Therefore, it has been classified as a Variant of Uncertain Significance. Algorithms developed to predict the effect of missense changes on protein structure and function (SIFT, PolyPhen-2, Align-GVGD) all suggest that this variant is likely to be disruptive. This variant has not been reported in the literature in individuals affected with BARD1-related conditions. This variant is not present in population databases (gnomAD no frequency). This sequence change replaces histidine, which is basic and polar, with leucine, which is neutral and non-polar, at codon 606 of the BARD1 protein (p.His606Leu).